The following is an entry in ClinVar:

ClinVar aggregate classification (germline): Uncertain significance. Review status: criteria provided, multiple submitters, no conflicts (2 of 4 stars). 3 submissions from 3 submitters: Uncertain significance (3). Last evaluated 2025-08-29.

Conditions:
Joubert syndrome. Also called: CEREBELLOPARENCHYMAL DISORDER IV; JOUBERT-BOLTSHAUSER SYNDROME; Familial aplasia of the vermis. Identifiers: Orphanet 475, MedGen C5979921, MONDO:0018772.
Nephronophthisis. Also called: Juvenile Nephronophthisis. Identifiers: Orphanet 655, MedGen C0687120, MONDO:0019005, HP:0000090.
Meckel-Gruber syndrome. Also called: DYSENCEPHALIA SPLANCHNOCYSTICA; GRUBER SYNDROME; Dysencephalia splachnocystica. Identifiers: Orphanet 564, MedGen C0265215, MONDO:0018921.
Inborn genetic diseases. Identifiers: MedGen C0950123, MeSH D030342.
Joubert syndrome 5 (JBTS5). Identifiers: Orphanet 2318, MedGen C1857780, MONDO:0012432, OMIM 610188.
Senior-Loken syndrome 6 (SLSN6). Identifiers: Orphanet 3156, MedGen C1857779, MONDO:0012433, OMIM 610189.
Bardet-Biedl syndrome 14 (BBS14). Identifiers: Orphanet 110, MedGen C2673874, MONDO:0014442, OMIM 615991.
Leber congenital amaurosis 10 (LCA10). Identifiers: Orphanet 65, MedGen C1857821, MONDO:0012723, OMIM 611755.
Meckel syndrome, type 4 (MKS4). Also called: MECKEL-GRUBER SYNDROME, TYPE 4. Identifiers: Orphanet 564, MedGen C1970161, MONDO:0012626, OMIM 611134.

Allele frequency attached by ClinVar (database versions not stated): ExAC 0.00001; TOPMed 0.00003; gnomAD 0.00004; gnomAD exomes 0.00004; ESP Exome Variant Server 0.00009.
gnomAD v4.1: 60 of 1,608,570 alleles (0.0037%); highest among the groups gnomAD compares: Non-Finnish European, 0.0049%; no homozygotes.

Submissions (3):

Ambry Genetics
Classification: Uncertain significance for Inborn genetic diseases. Last evaluated: 2025-08-29. Review status: criteria provided, single submitter. Criteria: Ambry Variant Classification Scheme 2023. Collection method: clinical testing. Allele origin: germline.

Fulgent Genetics
Classification: Uncertain significance for Joubert syndrome 5; Senior-Loken syndrome 6; Meckel syndrome, type 4; Leber congenital amaurosis 10; Bardet-Biedl syndrome 14. Last evaluated: 2024-04-02. Review status: criteria provided, single submitter. Criteria: ACMG Guidelines, 2015. Collection method: clinical testing. Allele origin: germline.

Labcorp Genetics (formerly Invitae), Labcorp
Classification: Uncertain significance for Joubert syndrome; Meckel-Gruber syndrome; Nephronophthisis. Last evaluated: 2022-08-19. Review status: criteria provided, single submitter. Criteria: Invitae Variant Classification Sherloc (09022015). Collection method: clinical testing. Allele origin: germline.
Comment: This sequence change replaces leucine, which is neutral and non-polar, with phenylalanine, which is neutral and non-polar, at codon 1989 of the CEP290 protein (p.Leu1989Phe). This variant is present in population databases (rs368095421, gnomAD 0.003%). This variant has not been reported in the literature in individuals affected with CEP290-related conditions. Algorithms developed to predict the effect of missense changes on protein structure and function are either unavailable or do not agree on the potential impact of this missense change (SIFT: "Tolerated"; PolyPhen-2: "Probably Damaging"; Align-GVGD: "Class C0"). In summary, the available evidence is currently insufficient to determine the role of this variant in disease. Therefore, it has been classified as a Variant of Uncertain Significance.

NM_025114.4(CEP290):c.5967A>T (p.Leu1989Phe)

Gene: CEP290 (centrosomal protein 290; minus strand). Cytogenetic location: 12q21.32.
Variant type: single nucleotide variant.
Coding change: c.5967A>T on transcript NM_025114.4 (MANE Select); coding-DNA position 5967, A replaced by T.
Protein change: p.Leu1989Phe; replaces leucine 1989 with phenylalanine.
Molecular consequence: missense variant.
Genome position (GRCh38, 1-based): chr12:88,071,338, T>A on the plus strand (A>T on the coding strand, the complement: CEP290 is on the minus strand). VCF-style: chr12-88071338-T-A. GRCh37 (hg19) VCF-style: chr12-88465115-T-A.
Other names: c.5967A>T (NM_025114.3); short protein forms L1989F.
Identifiers: ClinVar variation 2418498 (VCV002418498.7), dbSNP rs368095421, ClinGen allele CA6711611.